The following is an entry in ClinVar:

ClinVar aggregate classification (germline): Uncertain significance. Review status: criteria provided, multiple submitters, no conflicts (2 of 4 stars). 4 submissions from 4 submitters: Uncertain significance (4). Last evaluated 2025-05-13.

Conditions:
Aortic aneurysm, familial thoracic 4 (AAT4). Also called: AORTIC ANEURYSM/AORTIC DISSECTION AND PATENT DUCTUS ARTERIOSUS. Identifiers: MedGen C1851504, MONDO:0007568, OMIM 132900.
Familial thoracic aortic aneurysm and aortic dissection (TAAD). Also called: Thoracic aortic aneurysms and dissections. Identifiers: Orphanet 91387, MedGen C4707243, MONDO:0019625.

Allele frequency attached by ClinVar (database versions not stated): gnomAD exomes below 0.00001.
gnomAD v4.1: 10 of 1,614,246 alleles (0.00062%); highest among the groups gnomAD compares: Non-Finnish European, 0.00076%; no homozygotes.

Submissions (4):

Color Diagnostics, LLC DBA Color Health
Classification: Uncertain significance for Familial thoracic aortic aneurysm and aortic dissection. Last evaluated: 2025-05-13. Review status: criteria provided, single submitter. Criteria: ACMG Guidelines, 2015. Collection method: clinical testing. Allele origin: germline.
Comment: This missense variant replaces lysine with methionine at codon 872 of the MYH11 protein. Computational prediction suggests that this variant may have deleterious impact on protein structure and function. To our knowledge, functional studies have not been reported for this variant. This variant has not been reported in individuals affected with MYH11-related disorders in the literature. This variant has been identified in 1/251482 chromosomes in the general population by the Genome Aggregation Database (gnomAD). The available evidence is insufficient to determine the role of this variant in disease conclusively. Therefore, this variant is classified as a Variant of Uncertain Significance.

GeneDx
Classification: Uncertain significance. Last evaluated: 2024-12-02. Review status: criteria provided, single submitter. Criteria: GeneDx Variant Classification Process June 2021. Collection method: clinical testing. Allele origin: germline. Affected: yes.
Comment: Not observed at significant frequency in large population cohorts (gnomAD); In silico analysis supports that this missense variant has a deleterious effect on protein structure/function; Has not been previously published as pathogenic or benign to our knowledge

Ambry Genetics
Classification: Uncertain significance for Familial thoracic aortic aneurysm and aortic dissection. Last evaluated: 2024-10-08. Review status: criteria provided, single submitter. Criteria: Ambry Variant Classification Scheme 2023. Collection method: clinical testing. Allele origin: germline.
Comment: The p.K865M variant (also known as c.2594A>T), located in coding exon 20 of the MYH11 gene, results from an A to T substitution at nucleotide position 2594. The lysine at codon 865 is replaced by methionine, an amino acid with similar properties. This amino acid position is conserved. In addition, the in silico prediction for this alteration is inconclusive. Based on the available evidence, the clinical significance of this variant remains unclear.

Labcorp Genetics (formerly Invitae), Labcorp
Classification: Uncertain significance for Aortic aneurysm, familial thoracic 4. Last evaluated: 2021-09-01. Review status: criteria provided, single submitter. Criteria: Invitae Variant Classification Sherloc (09022015). Collection method: clinical testing. Allele origin: germline.
Comment: This sequence change replaces lysine with methionine at codon 872 of the MYH11 protein (p.Lys872Met). The lysine residue is highly conserved and there is a moderate physicochemical difference between lysine and methionine. This variant is not present in population databases (ExAC no frequency). This variant has not been reported in the literature in individuals affected with MYH11-related conditions. Algorithms developed to predict the effect of missense changes on protein structure and function (SIFT, PolyPhen-2, Align-GVGD) all suggest that this variant is likely to be disruptive. In summary, the available evidence is currently insufficient to determine the role of this variant in disease. Therefore, it has been classified as a Variant of Uncertain Significance.

NM_002474.3(MYH11):c.2594A>T (p.Lys865Met)

Gene: MYH11 (myosin heavy chain 11; minus strand). Cytogenetic location: 16p13.11.
Variant type: single nucleotide variant.
Coding change: c.2594A>T on transcript NM_002474.3 (MANE Select); coding-DNA position 2594, A replaced by T.
Protein change: p.Lys865Met; replaces lysine 865 with methionine.
Molecular consequence: missense variant.
Genome position (GRCh38, 1-based): chr16:15,741,818, T>A on the plus strand (A>T on the coding strand, the complement: MYH11 is on the minus strand). VCF-style: chr16-15741818-T-A. GRCh37 (hg19) VCF-style: chr16-15835675-T-A.
Other names: c.2594A>T (NM_002474.2); c.2615A>T, p.Lys872Met (NM_001040113.2, NM_001040114.2); c.2594A>T, p.Lys865Met (NM_022844.3); short protein forms K872M, K865M.
Identifiers: ClinVar variation 1440344 (VCV001440344.8), dbSNP rs1337742341, ClinGen allele CA394866319.
Genomic context (GRCh38, chr16:15,741,818, plus strand): 5'-ACCTGCGAGTGCTTCTGTTCCAGCTCCTTAAGCTCATTCTCTGCCTTCTGCTGCCGCTCC[T>A]TGGTCTTCTGCAGTTCATCCTCCTTGGCCTGCATCTCCTCCTCCTGCCGTGTCACCTGCA-3'
Protein context (NP_002465.1, residues 855-875): QAKEDELQKT[Lys865Met]ERQQKAENEL